The following is an entry in ClinVar:

NM_000197.2(HSD17B3):c.551C>T (p.Ser184Phe)

Genes: HSD17B3 (hydroxysteroid 17-beta dehydrogenase 3; minus strand), SLC35D2-HSD17B3 (SLC35D2-HSD17B3 readthrough; minus strand). Cytogenetic location: 9q22.32.
Variant type: single nucleotide variant.
Coding change: c.551C>T on transcript NM_000197.2 (MANE Select); coding-DNA position 551, C replaced by T.
Protein change: p.Ser184Phe; replaces serine 184 with phenylalanine.
Molecular consequence: missense variant. On other transcripts: non-coding transcript variant (1).
Genome position (GRCh38, 1-based): chr9:96,245,400, G>A on the plus strand (C>T on the coding strand, the complement: HSD17B3 is on the minus strand). VCF-style: chr9-96245400-G-A. GRCh37 (hg19) VCF-style: chr9-99007682-G-A.
Other names: short protein forms S184F.
Identifiers: ClinVar variation 4748797 (VCV004748797.1).

ClinVar aggregate classification (germline): Uncertain significance (1 of 4 stars; one submission).

gnomAD v4.1: 9 of 1,614,020 alleles (0.00056%); highest among the groups gnomAD compares: Non-Finnish European, 0.00076%; no homozygotes.

Submission:

Labcorp Genetics (formerly Invitae), Labcorp
Classification: Uncertain significance. Last evaluated: 2025-10-27. Review status: criteria provided, single submitter. Criteria: Invitae Variant Classification Sherloc (09022015). Collection method: clinical testing. Allele origin: germline.
Comment: This sequence change replaces serine, which is neutral and polar, with phenylalanine, which is neutral and non-polar, at codon 184 of the HSD17B3 protein (p.Ser184Phe). This variant is present in population databases (rs369066143, gnomAD 0.003%). This variant has not been reported in the literature in individuals affected with HSD17B3-related conditions. Invitae Evidence Modeling of protein sequence and biophysical properties (such as structural, functional, and spatial information, amino acid conservation, physicochemical variation, residue mobility, and thermodynamic stability) indicates that this missense variant is expected to disrupt HSD17B3 protein function with a positive predictive value of 80%. In summary, the available evidence is currently insufficient to determine the role of this variant in disease. Therefore, it has been classified as a Variant of Uncertain Significance.